The following is an entry in ClinVar:

NM_000135.4(FANCA):c.1A>T (p.Met1Leu)

Genes: FANCA (FA complementation group A; minus strand), LOC112486223 (Sharpr-MPRA regulatory region 3988; plus strand). Cytogenetic location: 16q24.3.
Variant type: single nucleotide variant.
Coding change: c.1A>T on transcript NM_000135.4 (MANE Select); coding-DNA position 1, A replaced by T.
Protein change: p.Met1Leu; changes the start codon (methionine 1).
Molecular consequence: missense variant, initiator codon variant.
Genome position (GRCh38, 1-based): chr16:89,816,615, T>A on the plus strand (A>T on the coding strand, the complement: FANCA is on the minus strand). VCF-style: chr16-89816615-T-A. GRCh37 (hg19) VCF-style: chr16-89883023-T-A.
Other names: c.1A>T (LRG_495t1, NM_000135.3); c.1A>T, p.Met1Leu (NM_001018112.3, NM_001286167.3, NM_001351830.2); short protein forms M1L.
Identifiers: ClinVar variation 553965 (VCV000553965.23), dbSNP rs772751654, ClinGen allele CA397484677.

ClinVar aggregate classification (germline): Pathogenic/Likely pathogenic. Review status: criteria provided, multiple submitters, no conflicts (2 of 4 stars). 7 submissions from 7 submitters: Pathogenic (3); Likely pathogenic (3). 1 of the submissions does not count toward it. Last evaluated 2026-01-28.

Conditions:
Fanconi anemia (FA). Also called: Fanconi's anemia. Identifiers: Orphanet 84, MedGen C0015625, MeSH D005199, MONDO:0019391.
Fanconi anemia complementation group A (FANCA). Also called: Fanconi anemia, group A; FANCA-Related Fanconi Anemia. Identifiers: Orphanet 84, MedGen C3469521, MONDO:0009215, OMIM 227650.

Allele frequency attached by ClinVar (database versions not stated): TOPMed 0.00002.

Submissions (7):

Labcorp Genetics (formerly Invitae), Labcorp
Classification: Pathogenic for Fanconi anemia. Last evaluated: 2026-01-28. Review status: criteria provided, single submitter. Criteria: Invitae Variant Classification Sherloc (09022015). Collection method: clinical testing. Allele origin: germline.
Comment: This sequence change affects the initiator codon of the FANCA mRNA. This change may impact translation initiation or efficiency. The next in-frame methionine is located at codon 116. The frequency data for this variant in the population databases is considered unreliable, as metrics indicate poor data quality at this position in the gnomAD database. Disruption of the initiator codon has been observed in individual(s) with Fanconi anemia (PMID: 10090479, 16084127, 23898106, 24584348). In at least one individual the data is consistent with being in trans (on the opposite chromosome) from a pathogenic variant. ClinVar contains an entry for this variant (Variation ID: 553965). For these reasons, this variant has been classified as Pathogenic.

Natera, Inc.
Classification: Pathogenic for Fanconi anemia. Last evaluated: 2025-09-16. Review status: criteria provided, single submitter. Criteria: Natera Variant Classification Schema (03/2026). Collection method: clinical testing. Allele origin: germline.
Comment: The c.1A>T variant in FANCA is predicted to result in start loss due to disruption of the initiator methionine. This variant is expected to result in nonsense mediated decay, truncation, or a dysfunctional protein product. This variant is rare in the general population with a frequency below the threshold expected for the associated phenotype(s). This variant has been observed in one or more individuals affected with the associated recessive disease, as either homozygous or compound heterozygous with a second variant (PMID: 39252317, 16084127). Given the available evidence, this variant is classified as Pathogenic.

Myriad Genetics, Inc.
Classification: Likely pathogenic for Fanconi anemia complementation group A. Last evaluated: 2025-05-15. Review status: criteria provided, single submitter. Criteria: Myriad Autosomal Dominant, Autosomal Recessive and X-Linked Classification Criteria (2023). Collection method: clinical testing. Allele origin: unknown.
Comment: NM_000135.2(FANCA):c.1A>T(M1?) is an initiation codon variant classified as likely pathogenic in the context of Fanconi anemia complementation group A. c.1A>T has been observed in cases with relevant disease (PMID: 16084127, 29098742). Relevant functional assessments of this variant are not available in the literature. c.1A>T has been observed in referenced population frequency databases. In summary, NM_000135.2(FANCA):c.1A>T(M1?) is an initiation codon variant that has been observed more frequently in cases with the relevant disease than in healthy populations. Please note: this variant was assessed in the context of healthy population screening.

Fulgent Genetics
Classification: Likely pathogenic for Fanconi anemia complementation group A. Last evaluated: 2024-03-18. Review status: criteria provided, single submitter. Criteria: ACMG Guidelines, 2015. Collection method: clinical testing. Allele origin: germline.

Revvity Omics, Revvity
Classification: Pathogenic for Fanconi anemia complementation group A. Last evaluated: 2019-08-19. Review status: criteria provided, single submitter. Criteria: ACMG Guidelines, 2015. Collection method: clinical testing. Allele origin: germline.

Juno Genomics, Hangzhou Juno Genomics, Inc
Classification: Likely pathogenic for Fanconi anemia complementation group A. Review status: criteria provided, single submitter. Criteria: ACMG Guidelines, 2015. Collection method: clinical testing. Allele origin: germline.
Comment: Absent from controls (or at extremely low frequency if recessive) in Genome Aggregation Database.;Null variant in a gene where loss of function (LOF) is a known mechanism of disease.;For recessive disorders, detected in trans with a pathogenic variant.;Patient's phenotype or family history is highly specific for a disease with a single genetic etiology.

Counsyl
Classification: Likely pathogenic for Fanconi anemia complementation group A. Last evaluated: 2017-10-06. Review status: no assertion criteria provided. Collection method: clinical testing. Allele origin: unknown. Not counted in ClinVar's aggregate classification.

Literature cited by the submitters: PubMed 10090479 (cited by Labcorp Genetics (formerly Invitae), Labcorp); PubMed 16084127 (cited by 4 submitters); PubMed 23898106 (cited by Labcorp Genetics (formerly Invitae), Labcorp); PubMed 24584348 (cited by Labcorp Genetics (formerly Invitae), Labcorp); PubMed 39252317 (cited by Natera, Inc.); PubMed 29098742 (cited by Myriad Genetics, Inc.).